The following is an entry in ClinVar:

ClinVar aggregate classification (germline): Uncertain significance (1 of 4 stars; one submission).

Conditions:
Hereditary sensory neuropathy-deafness-dementia syndrome. Also called: Hereditary Sensory and Autonomic Neuropathy Type 1E (HSAN1E); HSN IE; Hereditary sensory neuropathy type IE; NEUROPATHY, HEREDITARY SENSORY, WITH HEARING LOSS AND DEMENTIA. Identifiers: Orphanet 456318, MedGen C3279885, MONDO:0013584, OMIM 614116.

Submission:

Labcorp Genetics (formerly Invitae), Labcorp
Classification: Uncertain significance for Hereditary sensory neuropathy-deafness-dementia syndrome. Last evaluated: 2022-03-31. Review status: criteria provided, single submitter. Criteria: Invitae Variant Classification Sherloc (09022015). Collection method: clinical testing. Allele origin: germline.
Comment: In summary, the available evidence is currently insufficient to determine the role of this variant in disease. Therefore, it has been classified as a Variant of Uncertain Significance. Experimental studies and prediction algorithms are not available or were not evaluated, and the functional significance of this variant is currently unknown. This variant has not been reported in the literature in individuals affected with DNMT1-related conditions. This variant is not present in population databases (gnomAD no frequency). This variant, c.2148_2150del, results in the deletion of 1 amino acid(s) of the DNMT1 protein (p.Asp718del), but otherwise preserves the integrity of the reading frame.

NM_001130823.3(DNMT1):c.2148_2150del (p.Asp718del)

Gene: DNMT1 (DNA methyltransferase 1; minus strand). Cytogenetic location: 19p13.2.
Variant type: Deletion.
Coding change: c.2148_2150del on transcript NM_001130823.3 (MANE Select); coding-DNA positions 2148 to 2150, 3 bases deleted (TGA; older notation c.2148_2150delTGA).
Protein change: p.Asp718del; deletes aspartic acid 718.
Molecular consequence: inframe deletion.
Genome position (GRCh38, 1-based): chr19:10,151,513-10,151,515, TCA deleted on the plus strand (TGA on the coding strand, the reverse complement: DNMT1 is on the minus strand); deleting any 3 consecutive bases within chr19:10,151,513-10,151,517 gives the same sequence; the c. name uses the placement nearest the transcript's 3' end. VCF-style (leftmost placement, unchanged base first): chr19-10151512-GTCA-G. GRCh37 (hg19) VCF-style: chr19-10262188-GTCA-G.
Other names: c.2100_2102del, p.Asp702del (NM_001318730.2, NM_001379.4); c.1785_1787del, p.Asp597del (NM_001318731.2); short protein forms D597del, D718del, D702del.
Identifiers: ClinVar variation 2119863 (VCV002119863.4), dbSNP rs2513813408, ClinGen allele CA2580096177.